The following is an entry in ClinVar:

NM_005422.4(TECTA):c.4288G>A (p.Asp1430Asn)

Genes: TBCEL-TECTA (TBCEL-TECTA readthrough; plus strand), TECTA (tectorin alpha; plus strand). Cytogenetic location: 11q23.3.
Variant type: single nucleotide variant.
Coding change: c.4288G>A on transcript NM_005422.4 (MANE Select); coding-DNA position 4288, G replaced by A.
Protein change: p.Asp1430Asn; replaces aspartic acid 1430 with asparagine.
Molecular consequence: missense variant.
Genome position (GRCh38, 1-based): chr11:121,153,063, G>A. VCF-style: chr11-121153063-G-A. GRCh37 (hg19) VCF-style: chr11-121023772-G-A.
Other names: c.5245G>A, p.Asp1749Asn (NM_001378761.1); short protein forms D1749N, D1430N.
Identifiers: ClinVar variation 1963356 (VCV001963356.5), dbSNP rs906326110, ClinGen allele CA229841045.
Genomic context (GRCh38, chr11:121,153,063, plus strand): 5'-GCTGGCTACGTCCTCAACGGCAAGAGCTGCATCCTGCCCCACAGCTGCGGCTGCTACTCC[G>A]ATGGCAAATATTACGAGGTATGGGAGGCCAGCCCGGCCTTTTCCTCCTTGCCAATGATCA-3'
Protein context (NP_005413.2, residues 1420-1440): ILPHSCGCYS[Asp1430Asn]GKYYEPKQLF

ClinVar aggregate classification (germline): Uncertain significance (1 of 4 stars; one submission).

Allele frequency attached by ClinVar (database versions not stated): TOPMed below 0.00001.
gnomAD v4.1: 1 of 1,613,924 alleles (0.000062%); highest among the groups gnomAD compares: Non-Finnish European, 0.000085%; no homozygotes.

Submission:

Labcorp Genetics (formerly Invitae), Labcorp
Classification: Uncertain significance. Last evaluated: 2024-10-24. Review status: criteria provided, single submitter. Criteria: Invitae Variant Classification Sherloc (09022015). Collection method: clinical testing. Allele origin: germline.
Comment: This sequence change replaces aspartic acid, which is acidic and polar, with asparagine, which is neutral and polar, at codon 1430 of the TECTA protein (p.Asp1430Asn). This variant is not present in population databases (gnomAD no frequency). This variant has not been reported in the literature in individuals affected with TECTA-related conditions. ClinVar contains an entry for this variant (Variation ID: 1963356). Invitae Evidence Modeling of protein sequence and biophysical properties (such as structural, functional, and spatial information, amino acid conservation, physicochemical variation, residue mobility, and thermodynamic stability) indicates that this missense variant is not expected to disrupt TECTA protein function with a negative predictive value of 95%. In summary, the available evidence is currently insufficient to determine the role of this variant in disease. Therefore, it has been classified as a Variant of Uncertain Significance.